The following is an entry in ClinVar:

ClinVar aggregate classification (germline): Uncertain significance. Review status: criteria provided, multiple submitters, no conflicts (2 of 4 stars). 2 submissions from 2 submitters: Uncertain significance (2). Last evaluated 2025-04-16.

Conditions:
Hereditary cancer-predisposing syndrome. Also called: Neoplastic Syndromes, Hereditary; Hereditary Cancer Syndrome; Tumor predisposition; Hereditary neoplastic syndrome. Identifiers: Orphanet 140162, MedGen C0027672, MeSH D009386, MONDO:0015356.
Multiple endocrine neoplasia, type 1 (MEN1). Also called: MEA I; MEN I; WERMER SYNDROME; Endocrine adenomatosis multiple; MEN 1. Identifiers: Orphanet 652, MedGen C0025267, MeSH D018761, MONDO:0007540, OMIM 131100.

Allele frequency attached by ClinVar (database versions not stated): gnomAD exomes below 0.00001.
gnomAD v4.1: 1 of 1,606,636 alleles (0.000062%); highest among the groups gnomAD compares: South Asian, 0.0011%; no homozygotes.

Submissions (2):

Labcorp Genetics (formerly Invitae), Labcorp
Classification: Uncertain significance for Multiple endocrine neoplasia, type 1. Last evaluated: 2025-04-16. Review status: criteria provided, single submitter. Criteria: Invitae Variant Classification Sherloc (09022015). Collection method: clinical testing. Allele origin: germline.
Comment: This sequence change falls in intron 2 of the MEN1 gene. It does not directly change the encoded amino acid sequence of the MEN1 protein. It affects a nucleotide within the consensus splice site. This variant is not present in population databases (gnomAD no frequency). This variant has not been reported in the literature in individuals affected with MEN1-related conditions. ClinVar contains an entry for this variant (Variation ID: 1035717). Variants that disrupt the consensus splice site are a relatively common cause of aberrant splicing (PMID: 17576681, 9536098). Algorithms developed to predict the effect of sequence changes on RNA splicing suggest that this variant is not likely to affect RNA splicing. This variant disrupts the c.446-3C nucleotide in the MEN1 gene. Other variant(s) that disrupt this nucleotide have been determined to be pathogenic (PMID: 10931102, 28693130). This suggests that this nucleotide is clinically significant, and that variants that disrupt this position are likely to be disease-causing. In summary, the available evidence is currently insufficient to determine the role of this variant in disease. Therefore, it has been classified as a Variant of Uncertain Significance.

Ambry Genetics
Classification: Uncertain significance for Hereditary cancer-predisposing syndrome. Last evaluated: 2024-08-22. Review status: criteria provided, single submitter. Criteria: Ambry Variant Classification Scheme 2023. Collection method: clinical testing. Allele origin: germline.
Comment: The c.446-3C>T intronic variant results from a C to T substitution 3 nucleotides upstream from coding exon 2 in the MEN1 gene. This nucleotide position is well conserved in available vertebrate species. In silico splice site analysis predicts that this alteration will not have any significant effect on splicing. Based on the available evidence, the clinical significance of this variant remains unclear.

Literature cited by the submitters: PubMed 17576681 (cited by Labcorp Genetics (formerly Invitae), Labcorp); PubMed 9536098 (cited by Labcorp Genetics (formerly Invitae), Labcorp); PubMed 10931102 (cited by Labcorp Genetics (formerly Invitae), Labcorp); PubMed 28693130 (cited by Labcorp Genetics (formerly Invitae), Labcorp).

NM_001370259.2(MEN1):c.446-3C>T

Gene: MEN1 (menin 1; minus strand). Cytogenetic location: 11q13.1.
Variant type: single nucleotide variant.
Coding change: c.446-3C>T on transcript NM_001370259.2 (MANE Select); 3 bases into the intron before coding-DNA position 446, C replaced by T.
Molecular consequence: intron variant.
Genome position (GRCh38, 1-based): chr11:64,808,102, G>A on the plus strand (C>T on the coding strand, the complement: MEN1 is on the minus strand). VCF-style: chr11-64808102-G-A. GRCh37 (hg19) VCF-style: chr11-64575574-G-A.
Other names: c.446-3C>T (NM_130799.2, NM_130799.3, NM_001370260.2 and 4 more transcripts); c.461-3C>T (NM_130804.3, NM_130803.3, NM_000244.4 and 3 more transcripts).
Identifiers: ClinVar variation 1035717 (VCV001035717.9), dbSNP rs377461506, ClinGen allele CA1978893586.